The following is an entry in ClinVar:

NM_001142800.2(EYS):c.1472A>C (p.Glu491Ala)

Gene: EYS (EGF-like photoreceptor maintenance factor; minus strand). Cytogenetic location: 6q12.
Variant type: single nucleotide variant.
Coding change: c.1472A>C on transcript NM_001142800.2 (MANE Select); coding-DNA position 1472, A replaced by C.
Protein change: p.Glu491Ala; replaces glutamic acid 491 with alanine.
Molecular consequence: missense variant.
Genome position (GRCh38, 1-based): chr6:65,344,165, T>G on the plus strand (A>C on the coding strand, the complement: EYS is on the minus strand). VCF-style: chr6-65344165-T-G. GRCh37 (hg19) VCF-style: chr6-66054058-T-G.
Other names: c.1472A>C, p.Glu491Ala (NM_001142801.2, NM_001292009.2, NM_198283.2); c.1472A>C (NM_001142800.1); short protein forms E491A.
Identifiers: ClinVar variation 493438 (VCV000493438.45), dbSNP rs759752693, ClinGen allele CA3877722.

ClinVar aggregate classification (germline): Uncertain significance. Review status: criteria provided, multiple submitters, no conflicts (2 of 4 stars). 3 submissions from 3 submitters: Uncertain significance (2). 1 of the submissions does not count toward it. Last evaluated 2022-03-12.

Conditions:
Retinitis pigmentosa 25 (RP25). Identifiers: Orphanet 791, MedGen C1864446, MONDO:0011272, OMIM 602772.

Allele frequency attached by ClinVar (database versions not stated): gnomAD exomes below 0.00001; ExAC 0.00001.
gnomAD v4.1: 2 of 1,609,540 alleles (0.00012%); highest among the groups gnomAD compares: Non-Finnish European, 0.00017%; no homozygotes.

Submissions (3):

Labcorp Genetics (formerly Invitae), Labcorp
Classification: Uncertain significance. Last evaluated: 2022-03-12. Review status: criteria provided, single submitter. Criteria: Invitae Variant Classification Sherloc (09022015). Collection method: clinical testing. Allele origin: germline.
Comment: This sequence change replaces glutamic acid, which is acidic and polar, with alanine, which is neutral and non-polar, at codon 491 of the EYS protein (p.Glu491Ala). This variant is present in population databases (rs759752693, gnomAD 0.0009%). This variant has not been reported in the literature in individuals affected with EYS-related conditions. ClinVar contains an entry for this variant (Variation ID: 493438). Algorithms developed to predict the effect of missense changes on protein structure and function (SIFT, PolyPhen-2, Align-GVGD) all suggest that this variant is likely to be disruptive. In summary, the available evidence is currently insufficient to determine the role of this variant in disease. Therefore, it has been classified as a Variant of Uncertain Significance.

CeGaT Center for Human Genetics Tuebingen
Classification: Uncertain significance. Last evaluated: 2017-08-01. Review status: criteria provided, single submitter. Criteria: CeGaT Center For Human Genetics Tuebingen Variant Classification Criteria Version 2. Collection method: clinical testing. Allele origin: germline. Affected: yes. Observed: 1 variant allele.

Natera, Inc.
Classification: Uncertain significance for Retinitis pigmentosa type 25. Last evaluated: 2025-03-10. Review status: no assertion criteria provided. Collection method: clinical testing. Allele origin: germline. Not counted in ClinVar's aggregate classification.